The following is an entry in ClinVar:

NM_005918.4(MDH2):c.56C>A (p.Thr19Asn)

Gene: MDH2 (malate dehydrogenase 2; plus strand). Cytogenetic location: 7q11.23.
Variant type: single nucleotide variant.
Coding change: c.56C>A on transcript NM_005918.4 (MANE Select); coding-DNA position 56, C replaced by A.
Protein change: p.Thr19Asn; replaces threonine 19 with asparagine.
Molecular consequence: missense variant. On other transcripts: 5 prime UTR variant (1), non-coding transcript variant (1).
Genome position (GRCh38, 1-based): chr7:76,048,216, C>A. VCF-style: chr7-76048216-C-A. GRCh37 (hg19) VCF-style: chr7-75677534-C-A.
Other names: c.56C>A, p.Thr19Asn (NM_001282403.2); c.-97C>A (NM_001282404.2); short protein forms T19N.
Identifiers: ClinVar variation 1749145 (VCV001749145.2), dbSNP rs2535833568, ClinGen allele CA367760161.
Genomic context (GRCh38, chr7:76,048,216, plus strand): 5'-CAGCCATGCTCTCCGCCCTCGCCCGGCCTGCCAGCGCTGCTCTCCGCCGCAGCTTCAGCA[C>A]CTCGGCCCAGGTAGGCCAGACGAGGGGCGGCCTGCAGGCGGAGGCCCCCCGGCCCGGGCC-3'
Protein context (NP_005909.2, residues 9-29): ASAALRRSFS[Thr19Asn]SAQNNAKVAV

ClinVar aggregate classification (germline): Uncertain significance (1 of 4 stars; one submission).

Conditions:
Inborn genetic diseases. Identifiers: MedGen C0950123, MeSH D030342.

Submission:

Ambry Genetics
Classification: Uncertain significance for Inborn genetic diseases. Last evaluated: 2021-09-01. Review status: criteria provided, single submitter. Criteria: Ambry Variant Classification Scheme 2023. Collection method: clinical testing. Allele origin: germline.
Comment: The p.T19N variant (also known as c.56C>A), located in coding exon 1 of the MDH2 gene, results from a C to A substitution at nucleotide position 56. The threonine at codon 19 is replaced by asparagine, an amino acid with similar properties. This amino acid position is conserved. In addition, this alteration is predicted to be tolerated by in silico analysis. Since supporting evidence is limited at this time, the clinical significance of this alteration remains unclear.